The following is an entry in ClinVar:

ClinVar aggregate classification (germline): Uncertain significance (0 of 4 stars; one submission).

Conditions:
Prostate cancer. Also called: Malignant tumor of prostate. Identifiers: Orphanet 1331, MedGen C0376358, MONDO:0008315, HP:0012125.

Submission:

Science for Life laboratory,  Karolinska Institutet
Classification: Uncertain significance for Malignant tumor of prostate. Review status: no assertion criteria provided. Collection method: not provided. Allele origin: somatic.
Comment: TumorID:SWE-1
ClinVar note: Converted during submission from Unknown to Uncertain significance.

NM_001012302.3(ANO9):c.2046C>G (p.Asp682Glu)

Gene: ANO9 (anoctamin 9; minus strand). Cytogenetic location: 11p15.5.
Variant type: single nucleotide variant.
Coding change: c.2046C>G on transcript NM_001012302.3 (MANE Select); coding-DNA position 2046, C replaced by G.
Protein change: p.Asp682Glu; replaces aspartic acid 682 with glutamic acid.
Molecular consequence: missense variant.
Genome position (GRCh38, 1-based): chr11:418,804, G>C on the plus strand (C>G on the coding strand, the complement: ANO9 is on the minus strand). VCF-style: chr11-418804-G-C. GRCh37 (hg19) VCF-style: chr11-418804-G-C.
Other names: c.1614C>G, p.Asp538Glu (NM_001347882.2); short protein forms D682E, D538E.
Identifiers: ClinVar variation 161493 (VCV000161493.2), dbSNP rs193920739, ClinGen allele CA174134.